The following is an entry in ClinVar:

ClinVar aggregate classification (germline): Uncertain significance (1 of 4 stars; one submission).

gnomAD v4.1: 4 of 1,613,766 alleles (0.00025%); highest among the groups gnomAD compares: South Asian, 0.0044%; no homozygotes.

Submission:

Labcorp Genetics (formerly Invitae), Labcorp
Classification: Uncertain significance. Last evaluated: 2021-12-02. Review status: criteria provided, single submitter. Criteria: Invitae Variant Classification Sherloc (09022015). Collection method: clinical testing. Allele origin: germline.
Comment: This sequence change replaces valine, which is neutral and non-polar, with isoleucine, which is neutral and non-polar, at codon 3641 of the PCLO protein (p.Val3641Ile). In summary, the available evidence is currently insufficient to determine the role of this variant in disease. Therefore, it has been classified as a Variant of Uncertain Significance. Algorithms developed to predict the effect of missense changes on protein structure and function are either unavailable or do not agree on the potential impact of this missense change (SIFT: "Tolerated"; PolyPhen-2: "Not Available"; Align-GVGD: "Class C0"). This variant has not been reported in the literature in individuals affected with PCLO-related conditions. This variant is present in population databases (no rsID available, gnomAD 0.003%).

NM_033026.6(PCLO):c.10921G>A (p.Val3641Ile)

Gene: PCLO (piccolo presynaptic cytomatrix protein; minus strand). Cytogenetic location: 7q21.11.
Variant type: single nucleotide variant.
Coding change: c.10921G>A on transcript NM_033026.6 (MANE Select); coding-DNA position 10921, G replaced by A.
Protein change: p.Val3641Ile; replaces valine 3641 with isoleucine.
Molecular consequence: missense variant.
Genome position (GRCh38, 1-based): chr7:82,949,667, C>T on the plus strand (G>A on the coding strand, the complement: PCLO is on the minus strand). VCF-style: chr7-82949667-C-T. GRCh37 (hg19) VCF-style: chr7-82578983-C-T.
Other names: c.10921G>A, p.Val3641Ile (NM_014510.3); short protein forms V3641I.
Identifiers: ClinVar variation 1966641 (VCV001966641.5), dbSNP rs1384806679, ClinGen allele CA367901266.
Genomic context (GRCh38, chr7:82,949,667, plus strand): 5'-TATCTGGATGCAGTACTTTCTGTGGACTTATATCATCAGGGAGGGGTTTTTCATAAGGTA[C>T]AAAGGCTGATTCTAAGGCTTTGCCTGGTGAAAGTGGTGAGATGGGTGAGTAAAGGACTTT-3'
Protein context (NP_149015.2, residues 3631-3651): SPGKALESAF[Val3641Ile]PYEKPLPDDI